The following continues an entry in ClinVar:

NM_000110.4(DPYD):c.1679T>G (p.Ile560Ser)

Gene: DPYD. ClinVar aggregate classification (germline): drug response. drug response (4).

Submissions 8 to 18 of 18:

ARUP Laboratories, Molecular Genetics and Genomics, ARUP Laboratories
Classification: Pathogenic. Last evaluated: 2025-02-20. Review status: criteria provided, single submitter. Criteria: ARUP Molecular Germline Variant Investigation Process 2024. Collection method: clinical testing. Allele origin: germline. Not counted in ClinVar's aggregate classification.
Comment: The DPYD c.1679T>G, p.Ile560Ser variant (rs55886062, ClinVar Variation ID: 88975), also known as the DPYD*13 allele, is reported in heterozygous carriers with sensitivity to 5FU (Collie-Duguid 20000), and in the compound heterozygous state in individuals with 5FU toxicity and symptoms of DPD deficiency syndrome (van Kuilenburg 2002). This variant is found in the general population with an overall allele frequency of 0.031% (88/282028 alleles) in the Genome Aggregation Database (v2.1.1). Computational analyses predict that this variant is deleterious (REVEL: 0.920) and functional studies indicate this variant reduces DPDY enzyme activity by 75% (Offer 2013). Based on the available information, this variant is considered pathogenic. References: Collie-Duguid ES et al. Known variant DPYD alleles do not explain DPD deficiency in cancer patients. Pharmacogenetics. 2000 Apr;10(3):217-23. PMID: 10803677. Johnson MR et al. Profound dihydropyrimidine dehydrogenase deficiency resulting from a novel compound heterozygote genotype. Clin Cancer Res. 2002 Mar;8(3):768-74. PMID: 11895907. van Kuilenburg AB et al. Novel disease-causing mutations in the dihydropyrimidine dehydrogenase gene interpreted by analysis of the three-dimensional protein structure. Biochem J. 2002 May 15;364(Pt 1):157-63. PMID: 11988088. Offer SM et al. Phenotypic profiling of DPYD variations relevant to 5-fluorouracil sensitivity using real-time cellular analysis and in vitro measurement of enzyme activity. Cancer Res. 2013 Mar 15;73(6):1958-68. PMID: 23328581.

Blueprint Genetics
Classification: Pathogenic for DPYD-related disorders. Last evaluated: 2024-09-18. Review status: criteria provided, single submitter. Criteria: ACMG Guidelines, 2015. Collection method: clinical testing. Allele origin: germline. Affected: yes. Observed: 5 variant alleles. Not counted in ClinVar's aggregate classification.

Ambry Genetics
Classification: Likely pathogenic for Inborn genetic diseases. Last evaluated: 2024-04-05. Review status: criteria provided, single submitter. Criteria: Ambry Variant Classification Scheme 2023. Collection method: clinical testing. Allele origin: germline. Not counted in ClinVar's aggregate classification.
Comment: The c.1679T>G (p.I560S) alteration is located in exon 13 (coding exon 13) of the DPYD gene. This alteration results from a T to G substitution at nucleotide position 1679, causing the isoleucine (I) at amino acid position 560 to be replaced by a serine (S). Based on data from gnomAD, the G allele has an overall frequency of 0.031% (88/282028) total alleles studied. The highest observed frequency was 0.062% (80/128610) of European (non-Finnish) alleles. This alteration was detected in conjunction with another alteration in DPYD in multiple individuals with Dihydropyrimidine dehydrogenase deficiency (van Kuilenburg, 2000; Johnson, 2002; Thomas, 2016). This amino acid position is highly conserved in available vertebrate species. In an assay testing DPYD function, this variant showed a functionally abnormal result (Offer, 2013). This alteration is predicted to be deleterious by in silico analysis. Based on the available evidence, this alteration is classified as likely pathogenic.

Baylor Genetics
Classification: Likely pathogenic for Dihydropyrimidine dehydrogenase deficiency. Last evaluated: 2024-03-28. Review status: criteria provided, single submitter. Criteria: ACMG Guidelines, 2015. Collection method: clinical testing. Allele origin: unknown. Not counted in ClinVar's aggregate classification.

Revvity Omics, Revvity
Classification: Pathogenic for Dihydropyrimidine dehydrogenase deficiency. Last evaluated: 2024-02-01. Review status: criteria provided, single submitter. Criteria: ACMG Guidelines, 2015. Collection method: clinical testing. Allele origin: germline. Not counted in ClinVar's aggregate classification.

CeGaT Center for Human Genetics Tuebingen
Classification: Pathogenic. Last evaluated: 2022-06-01. Review status: criteria provided, single submitter. Criteria: CeGaT Center For Human Genetics Tuebingen Variant Classification Criteria Version 2. Collection method: clinical testing. Allele origin: germline. Affected: yes. Observed: 1 variant allele. Not counted in ClinVar's aggregate classification.
Comment: DPYD: PS3:Very Strong, PM2

Counsyl
Classification: Likely pathogenic for Dihydropyrimidine dehydrogenase deficiency. Last evaluated: 2016-04-28. Review status: no assertion criteria provided. Collection method: clinical testing. Allele origin: unknown. Not counted in ClinVar's aggregate classification.

Clinical Genetics DNA and cytogenetics Diagnostics Lab, Erasmus MC, Erasmus Medical Center
Classification: Pathogenic. Review status: no assertion criteria provided. Collection method: clinical testing. Allele origin: germline. Affected: yes. Study: VKGL Data-share Consensus. Not counted in ClinVar's aggregate classification.

Diagnostic Laboratory, Department of Genetics, University Medical Center Groningen
Classification: Likely pathogenic. Review status: no assertion criteria provided. Collection method: clinical testing. Allele origin: germline. Affected: yes. Study: VKGL Data-share Consensus. Not counted in ClinVar's aggregate classification.

Diasio Lab,  Mayo Clinic
No classification provided. Review status: no classification provided. Collection method: not provided. Allele origin: unknown. Not counted in ClinVar's aggregate classification.

Genome Diagnostics Laboratory, Amsterdam University Medical Center
Classification: Pathogenic. Review status: no assertion criteria provided. Collection method: clinical testing. Allele origin: germline. Affected: yes. Study: VKGL Data-share Consensus. Not counted in ClinVar's aggregate classification.

Literature cited by the submitters: PubMed 21410976 (cited by ClinPGx); PubMed 26603945 (cited by 4 submitters); PubMed 17121937 (cited by ClinPGx); PubMed 19530960 (cited by ClinPGx); PubMed 19795123 (cited by ClinPGx and Counsyl); PubMed 23736036 (cited by ClinPGx); PubMed 24923815 (cited by ClinPGx and Counsyl); PubMed 25381393 (cited by ClinPGx and Counsyl); PubMed 26099996 (cited by ClinPGx); PubMed 26265035 (cited by 4 submitters); PubMed 26794347 (cited by ClinPGx); PubMed 28427087 (cited by ClinPGx); PubMed 30485432 (cited by ClinPGx); PubMed 30858516 (cited by ClinPGx); PubMed 21498394 (cited by ClinPGx); PubMed 24647007 (cited by ClinPGx); PubMed 10803677 (cited by ClinPGx and Counsyl); PubMed 11895907 (cited by 5 submitters); PubMed 11988088 (cited by 3 submitters); PubMed 16361556 (cited by ClinPGx and Counsyl); PubMed 23328581 (cited by 5 submitters); PubMed 23588312 (cited by ClinPGx); PubMed 25410891 (cited by ClinPGx); PubMed 28295243 (cited by ClinPGx); PubMed 31745289 (cited by ClinPGx and Women's Health and Genetics/Laboratory Corporation of America, LabCorp); PubMed 26265346 (cited by Victorian Clinical Genetics Services, Murdoch Childrens Research Institute); PubMed 11783493 (cited by Victorian Clinical Genetics Services, Murdoch Childrens Research Institute and Ambry Genetics); PubMed 29152729 (cited by Victorian Clinical Genetics Services, Murdoch Childrens Research Institute and Women's Health and Genetics/Laboratory Corporation of America, LabCorp); PubMed 23988873 (cited by Women's Health and Genetics/Laboratory Corporation of America, LabCorp); PubMed 33232506 (cited by Women's Health and Genetics/Laboratory Corporation of America, LabCorp); PubMed 32595208 (cited by Women's Health and Genetics/Laboratory Corporation of America, LabCorp); PubMed 30348537 (cited by Women's Health and Genetics/Laboratory Corporation of America, LabCorp); PubMed 15102667 (cited by Women's Health and Genetics/Laboratory Corporation of America, LabCorp); PubMed 33620159 (cited by Women's Health and Genetics/Laboratory Corporation of America, LabCorp).